The following is an entry in ClinVar:

NM_001429.4(EP300):c.2947G>A (p.Glu983Lys)

Genes: EP300 (EP300 lysine acetyltransferase; plus strand), LOC126863158 (BRD4-independent group 4 enhancer GRCh37_chr22:41547383-41548582; plus strand). Cytogenetic location: 22q13.2.
Variant type: single nucleotide variant.
Coding change: c.2947G>A on transcript NM_001429.4 (MANE Select); coding-DNA position 2947, G replaced by A.
Protein change: p.Glu983Lys; replaces glutamic acid 983 with lysine.
Molecular consequence: missense variant.
Genome position (GRCh38, 1-based): chr22:41,151,962, G>A. VCF-style: chr22-41151962-G-A. GRCh37 (hg19) VCF-style: chr22-41547966-G-A.
Other names: c.2869G>A, p.Glu957Lys (NM_001362843.2); short protein forms E957K, E983K.
Identifiers: ClinVar variation 4805426 (VCV004805426.1).

ClinVar aggregate classification (germline): Uncertain significance (1 of 4 stars; one submission).

Conditions:
Rubinstein-Taybi syndrome due to EP300 haploinsufficiency. Also called: RUBINSTEIN-TAYBI SYNDROME 2; EP300-Related Rubinstein-Taybi Syndrome. Identifiers: Orphanet 353284, Orphanet 783, MedGen C3150941, MONDO:0013364, OMIM 613684.

Submission:

Labcorp Genetics (formerly Invitae), Labcorp
Classification: Uncertain significance for Rubinstein-Taybi syndrome due to EP300 haploinsufficiency. Last evaluated: 2025-12-21. Review status: criteria provided, single submitter. Criteria: Invitae Variant Classification Sherloc (09022015). Collection method: clinical testing. Allele origin: germline.
Comment: This sequence change replaces glutamic acid, which is acidic and polar, with lysine, which is basic and polar, at codon 983 of the EP300 protein (p.Glu983Lys). This variant is not present in population databases (gnomAD no frequency). This variant has not been reported in the literature in individuals affected with EP300-related conditions. Invitae Evidence Modeling of protein sequence and biophysical properties (such as structural, functional, and spatial information, amino acid conservation, physicochemical variation, residue mobility, and thermodynamic stability) indicates that this missense variant is not expected to disrupt EP300 protein function with a negative predictive value of 80%. In summary, the available evidence is currently insufficient to determine the role of this variant in disease. Therefore, it has been classified as a Variant of Uncertain Significance.